The following is an entry in ClinVar:

NM_000127.3(EXT1):c.1748A>G (p.Gln583Arg)

Gene: EXT1 (exostosin glycosyltransferase 1; minus strand). Cytogenetic location: 8q24.11.
Variant type: single nucleotide variant.
Coding change: c.1748A>G on transcript NM_000127.3 (MANE Select); coding-DNA position 1748, A replaced by G.
Protein change: p.Gln583Arg; replaces glutamine 583 with arginine.
Molecular consequence: missense variant.
Genome position (GRCh38, 1-based): chr8:117,807,352, T>C on the plus strand (A>G on the coding strand, the complement: EXT1 is on the minus strand). VCF-style: chr8-117807352-T-C. GRCh37 (hg19) VCF-style: chr8-118819591-T-C.
Other names: short protein forms Q583R.
Identifiers: ClinVar variation 1405823 (VCV001405823.6), dbSNP rs1309175788, ClinGen allele CA371878578.
Genomic context (GRCh38, chr8:117,807,352, plus strand): 5'-TTAGAGTTATCCCAGAAGTGGCTGCGCGCGGGGTACCCCACAATCCTCTCAGGGAAGCTC[T>C]GCCACACTGTGAAGGCGAAATCCACCTGCAGGCAGAACACAAGCCAAACAAGCAATCAAC-3'
Protein context (NP_000118.2, residues 573-593): TEVDFAFTVW[Gln583Arg]SFPERIVGYP

ClinVar aggregate classification (germline): Uncertain significance (1 of 4 stars; one submission).

Conditions:
Multiple congenital exostosis (EXT). Also called: Multiple osteochondromas; MULTIPLE CARTILAGINOUS EXOSTOSES; Multiple exostoses; Hereditary multiple exostoses; Hereditary multiple exostosis; Hereditary multiple osteochondromas. Identifiers: Orphanet 321, MedGen C0015306, MONDO:0005508, HP:0002762.

Allele frequency attached by ClinVar (database versions not stated): gnomAD exomes below 0.00001; gnomAD 0.00001.
gnomAD v4.1: 2 of 1,614,066 alleles (0.00012%); highest among the groups gnomAD compares: Non-Finnish European, 0.00017%; no homozygotes.

Submission:

Labcorp Genetics (formerly Invitae), Labcorp
Classification: Uncertain significance for Multiple congenital exostosis. Last evaluated: 2021-10-07. Review status: criteria provided, single submitter. Criteria: Invitae Variant Classification Sherloc (09022015). Collection method: clinical testing. Allele origin: germline.
Comment: In summary, the available evidence is currently insufficient to determine the role of this variant in disease. Therefore, it has been classified as a Variant of Uncertain Significance. Advanced modeling of protein sequence and biophysical properties (such as structural, functional, and spatial information, amino acid conservation, physicochemical variation, residue mobility, and thermodynamic stability) performed at Invitae indicates that this missense variant is not expected to disrupt EXT1 protein function. This missense change has been observed in individual(s) with multiple osteochondromas (PMID: 25230886). This variant is not present in population databases (ExAC no frequency). This sequence change replaces glutamine with arginine at codon 583 of the EXT1 protein (p.Gln583Arg). The glutamine residue is highly conserved and there is a small physicochemical difference between glutamine and arginine.

Literature cited by the submitters: PubMed 25230886.